The following is an entry in ClinVar:

ClinVar aggregate classification (germline): Uncertain significance (1 of 4 stars; one submission).

Submission:

GeneDx
Classification: Uncertain significance. Last evaluated: 2024-10-07. Review status: criteria provided, single submitter. Criteria: GeneDx Variant Classification Process June 2021. Collection method: clinical testing. Allele origin: germline. Affected: yes.
Comment: Not observed at significant frequency in large population cohorts (gnomAD); In silico analysis supports that this missense variant has a deleterious effect on protein structure/function; Has not been previously published as pathogenic or benign to our knowledge

NM_000612.6(IGF2):c.403C>A (p.Arg135Ser)

Genes: IGF2 (insulin like growth factor 2; minus strand), INS-IGF2 (INS-IGF2 readthrough; minus strand). Cytogenetic location: 11p15.5.
Variant type: single nucleotide variant.
Coding change: c.403C>A on transcript NM_000612.6 (MANE Select); coding-DNA position 403, C replaced by A.
Protein change: p.Arg135Ser; replaces arginine 135 with serine.
Molecular consequence: missense variant. On other transcripts: non-coding transcript variant (1).
Genome position (GRCh38, 1-based): chr11:2,133,127, G>T on the plus strand (C>A on the coding strand, the complement: IGF2 is on the minus strand). VCF-style: chr11-2133127-G-T. GRCh37 (hg19) VCF-style: chr11-2154357-G-T.
Other names: c.403C>A, p.Arg135Ser (NM_001007139.6, NM_001291861.3, NM_001291862.3); c.571C>A, p.Arg191Ser (NM_001127598.3); short protein forms R135S, R191S.
Identifiers: ClinVar variation 3776738 (VCV003776738.1).